The following is an entry in ClinVar:

NM_170606.3(KMT2C):c.5897C>T (p.Pro1966Leu)

Gene: KMT2C (lysine methyltransferase 2C; minus strand). Cytogenetic location: 7q36.1.
Variant type: single nucleotide variant.
Coding change: c.5897C>T on transcript NM_170606.3 (MANE Select); coding-DNA position 5897, C replaced by T.
Protein change: p.Pro1966Leu; replaces proline 1966 with leucine.
Molecular consequence: missense variant.
Genome position (GRCh38, 1-based): chr7:152,181,963, G>A on the plus strand (C>T on the coding strand, the complement: KMT2C is on the minus strand). VCF-style: chr7-152181963-G-A. GRCh37 (hg19) VCF-style: chr7-151879048-G-A.
Other names: short protein forms P1966L.
Identifiers: ClinVar variation 4995737 (VCV004995737.1).

ClinVar aggregate classification (germline): Uncertain significance (1 of 4 stars; one submission).

Conditions:
KMT2C-related disorder. Also called: KMT2C-related condition; KMT2C-related disorders.

Submission:

PreventionGenetics, part of Exact Sciences
Classification: Uncertain significance for KMT2C-related condition. Last evaluated: 2026-06-22. Review status: criteria provided, single submitter. Criteria: ACMG Guidelines, 2015. Collection method: clinical testing. Allele origin: germline.
Comment: The KMT2C c.5897C>T variant is predicted to result in the amino acid substitution p.Pro1966Leu. To our knowledge, this variant has not been reported in the literature or in a large population database (gnomAD), indicating this variant is rare. At this time, the clinical significance of this variant is uncertain due to the absence of conclusive functional and genetic evidence.